The following is an entry in ClinVar:

NM_001244008.2(KIF1A):c.3816+20C>T

Genes: KIF1A (kinesin family member 1A; minus strand), LOC126806583 (P300/CBP strongly-dependent group 1 enhancer GRCh37_chr2:241678910-241680109; plus strand). Cytogenetic location: 2q37.3.
Variant type: single nucleotide variant.
Coding change: c.3816+20C>T on transcript NM_001244008.2 (MANE Select); 20 bases into the intron after coding-DNA position 3816, C replaced by T.
Molecular consequence: intron variant.
Genome position (GRCh38, 1-based): chr2:240,740,278, G>A on the plus strand (C>T on the coding strand, the complement: KIF1A is on the minus strand). VCF-style: chr2-240740278-G-A. GRCh37 (hg19) VCF-style: chr2-241679695-G-A.
Other names: c.3513+20C>T (NM_001379653.1, NM_001379650.1, NM_001379641.1 and 5 more transcripts); c.3789+20C>T (NM_001379645.1, NM_001379633.1, NM_001379642.1); c.3615+20C>T (NM_001379635.1, NM_001330290.2, NM_001379646.1 and 1 more transcripts); c.3510+20C>T (NM_001379640.1); c.3765+20C>T (NM_001379632.1); c.3588+20C>T (NM_001379637.1, NM_001379648.1); c.3540+20C>T (NM_001320705.2, NM_001379638.1, NM_001330289.2); c.3891+20C>T (NM_001379631.1).
Identifiers: ClinVar variation 681062 (VCV000681062.10), dbSNP rs376501987, ClinGen allele CA2207634.

ClinVar aggregate classification (germline): Likely benign. Review status: criteria provided, multiple submitters, no conflicts (2 of 4 stars). 3 submissions from 3 submitters: Likely benign (3). Last evaluated 2025-08-20.

Conditions:
Neuropathy, hereditary sensory, type 2C. Also called: KIF1A-Related HSAN2 (HSAN2C); Hereditary sensory and autonomic neuropathy type IIC. Identifiers: Orphanet 970, MedGen C3280168, MONDO:0013634, OMIM 614213.
Intellectual disability, autosomal dominant 9 (NESCAVS). Also called: NESCAV SYNDROME; KIF1A-Related Neurodevelopmental Disorder. Identifiers: Orphanet 662367, MedGen C5393830, MONDO:0013656, OMIM 614255.
Hereditary spastic paraplegia 30. Identifiers: Orphanet 101010, MedGen C5235139, MONDO:0012476.

Allele frequency attached by ClinVar (database versions not stated): TOPMed 0.00001; gnomAD 0.00002; ESP Exome Variant Server 0.00016.
gnomAD v4.1: 26 of 1,609,136 alleles (0.0016%); highest among the groups gnomAD compares: African/African-American, 0.0053%; no homozygotes.

Submissions (3):

Labcorp Genetics (formerly Invitae), Labcorp
Classification: Likely benign for Hereditary spastic paraplegia 30; Neuropathy, hereditary sensory, type 2C; Intellectual disability, autosomal dominant 9. Last evaluated: 2025-08-20. Review status: criteria provided, single submitter. Criteria: Invitae Variant Classification Sherloc (09022015). Collection method: clinical testing. Allele origin: germline.

Blueprint Genetics
Classification: Likely benign. Last evaluated: 2020-06-30. Review status: criteria provided, single submitter. Criteria: ACMG Guidelines, 2015. Collection method: clinical testing. Allele origin: germline.

GeneDx
Classification: Likely benign. Last evaluated: 2018-03-22. Review status: criteria provided, single submitter. Criteria: GeneDx Variant Classification (06012015). Collection method: clinical testing. Allele origin: germline. Affected: yes.
Comment: This variant is considered likely benign or benign based on one or more of the following criteria: it is a conservative change, it occurs at a poorly conserved position in the protein, it is predicted to be benign by multiple in silico algorithms, and/or has population frequency not consistent with disease.